The following is an entry in ClinVar:

ClinVar aggregate classification (germline): Uncertain significance (1 of 4 stars; one submission).

Conditions:
DICER1-related tumor predisposition. Also called: DICER1-related pleuropulmonary blastoma cancer predisposition syndrome; DICER1 syndrome. Identifiers: Orphanet 284343, MedGen C3839822, MONDO:0100216.

Submission:

Labcorp Genetics (formerly Invitae), Labcorp
Classification: Uncertain significance for DICER1-related tumor predisposition. Last evaluated: 2024-07-08. Review status: criteria provided, single submitter. Criteria: Invitae Variant Classification Sherloc (09022015). Collection method: clinical testing. Allele origin: germline.
Comment: This sequence change replaces glutamic acid, which is acidic and polar, with glycine, which is neutral and non-polar, at codon 1533 of the DICER1 protein (p.Glu1533Gly). This variant is not present in population databases (gnomAD no frequency). This variant has not been reported in the literature in individuals affected with DICER1-related conditions. An algorithm developed to predict the effect of missense changes on protein structure and function (PolyPhen-2) suggests that this variant is likely to be disruptive. In summary, the available evidence is currently insufficient to determine the role of this variant in disease. Therefore, it has been classified as a Variant of Uncertain Significance.

NM_177438.3(DICER1):c.4598A>G (p.Glu1533Gly)

Gene: DICER1 (dicer 1, ribonuclease III; minus strand). Cytogenetic location: 14q32.13.
Variant type: single nucleotide variant.
Coding change: c.4598A>G on transcript NM_177438.3 (MANE Select); coding-DNA position 4598, A replaced by G.
Protein change: p.Glu1533Gly; replaces glutamic acid 1533 with glycine.
Molecular consequence: missense variant. On other transcripts: non-coding transcript variant (6).
Genome position (GRCh38, 1-based): chr14:95,096,322, T>C on the plus strand (A>G on the coding strand, the complement: DICER1 is on the minus strand). VCF-style: chr14-95096322-T-C. GRCh37 (hg19) VCF-style: chr14-95562659-T-C.
Other names: c.4598A>G, p.Glu1533Gly (NM_001195573.1, NM_001271282.3, NM_001291628.2 and 12 more transcripts); c.4316A>G, p.Glu1439Gly (NM_001395686.1); c.4193A>G, p.Glu1398Gly (NM_001395687.1, NM_001395688.1, NM_001395689.1 and 2 more transcripts); c.4031A>G, p.Glu1344Gly (NM_001395691.1); c.2915A>G, p.Glu972Gly (NM_001395697.1); short protein forms E1533G, E1344G, E1439G, E972G, E1398G.
Identifiers: ClinVar variation 3658961 (VCV003658961.2).
Genomic context (GRCh38, chr14:95,096,322, plus strand): 5'-CACTGCTCAGTGTGCAAGTCGTAAGAAATGGACTGCTTTCCCGTGTCAACACCACAGTTT[T>C]CTTCTGATGGATTCCAGAACCCCACCACAAAGTCATCTTCTTCAACAGCTTTGCTAGGAT-3'
Protein context (NP_803187.1, residues 1523-1543): FVVGFWNPSE[Glu1533Gly]NCGVDTGKQS